The following is an entry in ClinVar:

NM_003036.4(SKI):c.1322G>A (p.Arg441Gln)

Gene: SKI (SKI proto-oncogene; plus strand). Cytogenetic location: 1p36.32.
Variant type: single nucleotide variant.
Coding change: c.1322G>A on transcript NM_003036.4 (MANE Select); coding-DNA position 1322, G replaced by A.
Protein change: p.Arg441Gln; replaces arginine 441 with glutamine.
Molecular consequence: missense variant.
Genome position (GRCh38, 1-based): chr1:2,303,950, G>A. VCF-style: chr1-2303950-G-A. GRCh37 (hg19) VCF-style: chr1-2235389-G-A.
Other names: p.Arg441Gln; short protein forms R441Q.
Identifiers: ClinVar variation 1769935 (VCV001769935.10), dbSNP rs1165905597, ClinGen allele CA337955191.

ClinVar aggregate classification (germline): Uncertain significance. Review status: criteria provided, multiple submitters, no conflicts (2 of 4 stars). 5 submissions from 5 submitters: Uncertain significance (5). Last evaluated 2025-09-09.

Conditions:
SKI-related disorder. Also called: SKI-related condition.
Familial thoracic aortic aneurysm and aortic dissection (TAAD). Also called: Thoracic aortic aneurysms and dissections. Identifiers: Orphanet 91387, MedGen C4707243, MONDO:0019625.
Shprintzen-Goldberg syndrome (SGS). Also called: SHPRINTZEN-GOLDBERG CRANIOSYNOSTOSIS SYNDROME; CRANIOSYNOSTOSIS WITH ARACHNODACTYLY AND ABDOMINAL HERNIAS; Marfanoid disorder with craniosynostosis type 1; Marfanoid craniosynostosis syndrome; Shprintzen-Goldberg marfanoid syndrome. Identifiers: Orphanet 2462, MedGen C1321551, MONDO:0008426, OMIM 182212.

gnomAD v4.1: 4 of 1,611,810 alleles (0.00025%); highest among the groups gnomAD compares: Non-Finnish European, 0.00034%; no homozygotes.

Submissions (5):

Labcorp Genetics (formerly Invitae), Labcorp
Classification: Uncertain significance for Shprintzen-Goldberg syndrome. Last evaluated: 2025-09-09. Review status: criteria provided, single submitter. Criteria: Invitae Variant Classification Sherloc (09022015). Collection method: clinical testing. Allele origin: germline.
Comment: This sequence change replaces arginine, which is basic and polar, with glutamine, which is neutral and polar, at codon 441 of the SKI protein (p.Arg441Gln). This variant is present in population databases (no rsID available, gnomAD 0.0009%). This variant has not been reported in the literature in individuals affected with SKI-related conditions. ClinVar contains an entry for this variant (Variation ID: 1769935). Invitae Evidence Modeling of protein sequence and biophysical properties (such as structural, functional, and spatial information, amino acid conservation, physicochemical variation, residue mobility, and thermodynamic stability) indicates that this missense variant is not expected to disrupt SKI protein function with a negative predictive value of 95%. In summary, the available evidence is currently insufficient to determine the role of this variant in disease. Therefore, it has been classified as a Variant of Uncertain Significance.

PreventionGenetics, part of Exact Sciences
Classification: Uncertain significance for SKI-related condition. Last evaluated: 2025-08-06. Review status: criteria provided, single submitter. Criteria: ACMG Guidelines, 2015. Collection method: clinical testing. Allele origin: germline.
Comment: The SKI c.1322G>A variant is predicted to result in the amino acid substitution p.Arg441Gln. To our knowledge, this variant has not been reported in the literature. This variant is reported in 0.00093% of alleles in individuals of European (Non-Finnish) descent in gnomAD. At this time, the clinical significance of this variant is uncertain due to the absence of conclusive functional and genetic evidence.

GeneDx
Classification: Uncertain significance. Last evaluated: 2024-12-10. Review status: criteria provided, single submitter. Criteria: GeneDx Variant Classification Process June 2021. Collection method: clinical testing. Allele origin: germline. Affected: yes.
Comment: Has not been previously published as pathogenic or benign to our knowledge; In silico analysis suggests this variant may impact gene splicing. In the absence of RNA/functional studies, the actual effect of this sequence change is unknown.; In silico analysis indicates that this missense variant does not alter protein structure/function

Mayo Clinic Laboratories, Mayo Clinic
Classification: Uncertain significance. Last evaluated: 2023-04-06. Review status: criteria provided, single submitter. Criteria: ACMG Guidelines, 2015. Collection method: clinical testing. Allele origin: germline. Observed: 1 variant allele.
Comment: PM2_supporting

Ambry Genetics
Classification: Uncertain significance for Familial thoracic aortic aneurysm and aortic dissection. Last evaluated: 2022-08-01. Review status: criteria provided, single submitter. Criteria: Ambry Variant Classification Scheme 2023. Collection method: clinical testing. Allele origin: germline.
Comment: The p.R441Q variant (also known as c.1322G>A), located in coding exon 4 of the SKI gene, results from a G to A substitution at nucleotide position 1322. The arginine at codon 441 is replaced by glutamine, an amino acid with highly similar properties. This amino acid position is conserved. In addition, the in silico prediction for this alteration is inconclusive. Since supporting evidence is limited at this time, the clinical significance of this alteration remains unclear.